The following is an entry in ClinVar:

ClinVar aggregate classification (germline): Uncertain significance (1 of 4 stars; one submission).

Submission:

Labcorp Genetics (formerly Invitae), Labcorp
Classification: Uncertain significance. Last evaluated: 2024-10-23. Review status: criteria provided, single submitter. Criteria: Invitae Variant Classification Sherloc (09022015). Collection method: clinical testing. Allele origin: germline.
Comment: This sequence change replaces histidine, which is basic and polar, with leucine, which is neutral and non-polar, at codon 178 of the GSN protein (p.His178Leu). This variant is present in population databases (no rsID available, gnomAD 0.01%). This variant has not been reported in the literature in individuals affected with GSN-related conditions. Invitae Evidence Modeling of protein sequence and biophysical properties (such as structural, functional, and spatial information, amino acid conservation, physicochemical variation, residue mobility, and thermodynamic stability) indicates that this missense variant is expected to disrupt GSN protein function with a positive predictive value of 80%. In summary, the available evidence is currently insufficient to determine the role of this variant in disease. Therefore, it has been classified as a Variant of Uncertain Significance.

NM_198252.3(GSN):c.380A>T (p.His127Leu)

Gene: GSN (gelsolin; plus strand). Cytogenetic location: 9q33.2.
Variant type: single nucleotide variant.
Coding change: c.380A>T on transcript NM_198252.3 (MANE Select); coding-DNA position 380, A replaced by T.
Protein change: p.His127Leu; replaces histidine 127 with leucine.
Molecular consequence: missense variant. On other transcripts: 5 prime UTR variant (1).
Genome position (GRCh38, 1-based): chr9:121,310,712, A>T. VCF-style: chr9-121310712-A-T. GRCh37 (hg19) VCF-style: chr9-124072990-A-T.
Other names: c.380A>T, p.His127Leu (NM_001127665.2, NM_001353053.1, NM_001353054.1 and 10 more transcripts); c.413A>T, p.His138Leu (NM_001127666.2, NM_001127667.2, NM_001353067.2 and 13 more transcripts); c.431A>T, p.His144Leu (NM_001258029.2); c.404A>T, p.His135Leu (NM_001258030.2); c.452A>T, p.His151Leu (NM_001353076.2); c.-275A>T (NM_001353078.2); c.533A>T, p.His178Leu (NM_000177.5); c.488A>T, p.His163Leu (NM_001127663.2); short protein forms H127L, H138L, H163L, H135L, H144L, H151L, H178L.
Identifiers: ClinVar variation 3710689 (VCV003710689.2).